The following is an entry in ClinVar:

ClinVar aggregate classification (germline): Uncertain significance. Review status: criteria provided, multiple submitters, no conflicts (2 of 4 stars). 3 submissions from 3 submitters: Uncertain significance (3). Last evaluated 2025-10-21.

Conditions:
Inborn genetic diseases. Identifiers: MedGen C0950123, MeSH D030342.

gnomAD v4.1: 30 of 1,614,074 alleles (0.0019%); highest among the groups gnomAD compares: South Asian, 0.012%; no homozygotes.

Submissions (3):

Ambry Genetics
Classification: Uncertain significance for Inborn genetic diseases. Last evaluated: 2025-10-21. Review status: criteria provided, single submitter. Criteria: Ambry Variant Classification Scheme 2023. Collection method: clinical testing. Allele origin: germline.

Labcorp Genetics (formerly Invitae), Labcorp
Classification: Uncertain significance. Last evaluated: 2024-02-09. Review status: criteria provided, single submitter. Criteria: Invitae Variant Classification Sherloc (09022015). Collection method: clinical testing. Allele origin: germline.
Comment: This sequence change replaces arginine, which is basic and polar, with cysteine, which is neutral and slightly polar, at codon 3744 of the DNAH9 protein (p.Arg3744Cys). This variant is present in population databases (rs562936126, gnomAD 0.02%). This variant has not been reported in the literature in individuals affected with DNAH9-related conditions. Advanced modeling of protein sequence and biophysical properties (such as structural, functional, and spatial information, amino acid conservation, physicochemical variation, residue mobility, and thermodynamic stability) performed at Invitae indicates that this missense variant is expected to disrupt DNAH9 protein function with a positive predictive value of 80%. In summary, the available evidence is currently insufficient to determine the role of this variant in disease. Therefore, it has been classified as a Variant of Uncertain Significance.

Blueprint Genetics
Classification: Uncertain significance. Last evaluated: 2022-09-21. Review status: criteria provided, single submitter. Criteria: ACMG Guidelines, 2015. Collection method: clinical testing. Allele origin: germline.

NM_001372.4(DNAH9):c.11230C>T (p.Arg3744Cys)

Gene: DNAH9 (dynein axonemal heavy chain 9; plus strand). Cytogenetic location: 17p12.
Variant type: single nucleotide variant.
Coding change: c.11230C>T on transcript NM_001372.4 (MANE Select); coding-DNA position 11230, C replaced by T.
Protein change: p.Arg3744Cys; replaces arginine 3744 with cysteine.
Molecular consequence: missense variant.
Genome position (GRCh38, 1-based): chr17:11,891,894, C>T. VCF-style: chr17-11891894-C-T. GRCh37 (hg19) VCF-style: chr17-11795211-C-T.
Other names: c.11230C>T (NM_001372.3); c.166C>T, p.Arg56Cys (NM_004662.2); short protein forms R3744C, R56C.
Identifiers: ClinVar variation 3606104 (VCV003606104.4).
Genomic context (GRCh38, chr17:11,891,894, plus strand): 5'-AGGGAGCGGGTGGCCAACCTAATAGACAGCATAACCTTCTCTGTGTACCAGTACACCATC[C>T]GCGGGCTCTTTGAGTGTGATAAGCTGACCTACCTTGCCCAGCTCACCTTTCAGGTAAAAG-3'
Protein context (NP_001363.2, residues 3734-3754): ITFSVYQYTI[Arg3744Cys]GLFECDKLTY